The following is an entry in ClinVar:

NM_001039396.2(MPEG1):c.671C>T (p.Ser224Phe)

Gene: MPEG1 (macrophage expressed 1; minus strand). Cytogenetic location: 11q12.1.
Variant type: single nucleotide variant.
Coding change: c.671C>T on transcript NM_001039396.2 (MANE Select); coding-DNA position 671, C replaced by T.
Protein change: p.Ser224Phe; replaces serine 224 with phenylalanine.
Molecular consequence: missense variant.
Genome position (GRCh38, 1-based): chr11:59,212,195, G>A on the plus strand (C>T on the coding strand, the complement: MPEG1 is on the minus strand). VCF-style: chr11-59212195-G-A. GRCh37 (hg19) VCF-style: chr11-58979668-G-A.
Other names: short protein forms S224F.
Identifiers: ClinVar variation 2641810 (VCV002641810.24), dbSNP rs199564440, ClinGen allele CA6017686.

ClinVar aggregate classification (germline): Likely benign (1 of 4 stars; one submission).

Allele frequency attached by ClinVar (database versions not stated): gnomAD 0.00046; TOPMed 0.00048; ESP Exome Variant Server 0.00049; gnomAD exomes 0.00075; 1000 Genomes Project 30x 0.00141; ExAC 0.00141; 1000 Genomes Project 0.00160.

Submission:

CeGaT Center for Human Genetics Tuebingen
Classification: Likely benign. Last evaluated: 2022-10-01. Review status: criteria provided, single submitter. Criteria: CeGaT Center For Human Genetics Tuebingen Variant Classification Criteria Version 2. Collection method: clinical testing. Allele origin: germline. Affected: yes. Observed: 1 variant allele.
Comment: MPEG1: BS2